The following is an entry in ClinVar:

ClinVar aggregate classification (germline): Uncertain significance (1 of 4 stars; one submission).

Allele frequency attached by ClinVar (database versions not stated): gnomAD 0.00003; TOPMed 0.00003.

Submission:

Labcorp Genetics (formerly Invitae), Labcorp
Classification: Uncertain significance. Last evaluated: 2024-08-28. Review status: criteria provided, single submitter. Criteria: Invitae Variant Classification Sherloc (09022015). Collection method: clinical testing. Allele origin: germline.
Comment: This sequence change replaces arginine, which is basic and polar, with histidine, which is basic and polar, at codon 78 of the GRIN2D protein (p.Arg78His). The frequency data for this variant in the population databases is considered unreliable, as metrics indicate insufficient coverage at this position in the gnomAD database. This variant has not been reported in the literature in individuals affected with GRIN2D-related conditions. Invitae Evidence Modeling of protein sequence and biophysical properties (such as structural, functional, and spatial information, amino acid conservation, physicochemical variation, residue mobility, and thermodynamic stability) indicates that this missense variant is not expected to disrupt GRIN2D protein function with a negative predictive value of 80%. In summary, the available evidence is currently insufficient to determine the role of this variant in disease. Therefore, it has been classified as a Variant of Uncertain Significance.

NM_000836.4(GRIN2D):c.233G>A (p.Arg78His)

Gene: GRIN2D (glutamate ionotropic receptor NMDA type subunit 2D; plus strand). Cytogenetic location: 19q13.33.
Variant type: single nucleotide variant.
Coding change: c.233G>A on transcript NM_000836.4 (MANE Select); coding-DNA position 233, G replaced by A.
Protein change: p.Arg78His; replaces arginine 78 with histidine.
Molecular consequence: missense variant.
Genome position (GRCh38, 1-based): chr19:48,398,625, G>A. VCF-style: chr19-48398625-G-A. GRCh37 (hg19) VCF-style: chr19-48901882-G-A.
Other names: short protein forms R78H.
Identifiers: ClinVar variation 2998834 (VCV002998834.3), dbSNP rs1438443927, ClinGen allele CA406688612.